The following is an entry in ClinVar:

NM_001042616.3(PIGY):c.16C>T (p.Pro6Ser)

Genes: PIGY (phosphatidylinositol glycan anchor biosynthesis class Y; minus strand), PYURF (PIGY upstream open reading frame; minus strand). Cytogenetic location: 4q22.1.
Variant type: single nucleotide variant.
Coding change: c.16C>T on transcript NM_001042616.3 (MANE Select); coding-DNA position 16, C replaced by T.
Protein change: p.Pro6Ser; replaces proline 6 with serine.
Molecular consequence: missense variant. On other transcripts: 3 prime UTR variant (1).
Genome position (GRCh38, 1-based): chr4:88,521,774, G>A on the plus strand (C>T on the coding strand, the complement: PIGY is on the minus strand). VCF-style: chr4-88521774-G-A. GRCh37 (hg19) VCF-style: chr4-89442925-G-A.
Other names: c.*114C>T (NM_032906.5); short protein forms P6S.
Identifiers: ClinVar variation 2000496 (VCV002000496.4), dbSNP rs1240739090, ClinGen allele CA357641558.
Genomic context (GRCh38, chr4:88,521,774, plus strand): 5'-CAGAGGCTGAGTAGAACAGTCCTGCTAAAGAAACCAGTGGAATAAGAACAGTCAACGTAG[G>A]AAGAGACAGAAACATTCTTCTCTTCCACTTATTACCTGCCACTGTGTTTTAAAAGGTATA-3'
Protein context (NP_001036081.1, residues 1-16): MFLSL[Pro6Ser]TLTVLIPLVS

ClinVar aggregate classification (germline): Uncertain significance (1 of 4 stars; one submission).

gnomAD v4.1: 3 of 1,612,040 alleles (0.00019%); highest among the groups gnomAD compares: Non-Finnish European, 0.00025%; no homozygotes.

Submission:

Labcorp Genetics (formerly Invitae), Labcorp
Classification: Uncertain significance. Last evaluated: 2022-05-29. Review status: criteria provided, single submitter. Criteria: Invitae Variant Classification Sherloc (09022015). Collection method: clinical testing. Allele origin: germline.
Comment: This sequence change replaces proline, which is neutral and non-polar, with serine, which is neutral and polar, at codon 6 of the PIGY protein (p.Pro6Ser). This variant is not present in population databases (gnomAD no frequency). In summary, the available evidence is currently insufficient to determine the role of this variant in disease. Therefore, it has been classified as a Variant of Uncertain Significance. Algorithms developed to predict the effect of missense changes on protein structure and function are either unavailable or do not agree on the potential impact of this missense change (SIFT: "Deleterious"; PolyPhen-2: "Benign"; Align-GVGD: "Class C0"). This variant has not been reported in the literature in individuals affected with PIGY-related conditions.